The following is an entry in ClinVar:

NM_002485.5(NBN):c.89del (p.Asn30fs)

Gene: NBN (nibrin; minus strand). Cytogenetic location: 8q21.3.
Variant type: Deletion.
Coding change: c.89del on transcript NM_002485.5 (MANE Select); coding-DNA position 89, one base deleted (A; older notation c.89delA).
Protein change: p.Asn30fs; shifts the reading frame from asparagine 30.
Molecular consequence: frameshift variant. On other transcripts: 5 prime UTR variant (1).
Genome position (GRCh38, 1-based): chr8:89,982,804, T deleted on the plus strand (A on the coding strand, the reverse complement: NBN is on the minus strand); the first of 5 consecutive T bases (chr8:89,982,804-89,982,808); deleting any one gives the same sequence. VCF-style (leftmost placement, unchanged base first): chr8-89982803-GT-G. GRCh37 (hg19) VCF-style: chr8-90995031-GT-G.
Other names: c.-208del (NM_001024688.3); short protein forms N30fs.
Identifiers: ClinVar variation 802422 (VCV000802422.6), dbSNP rs587781718, ClinGen allele CA583376805.

ClinVar aggregate classification (germline): Pathogenic/Likely pathogenic. Review status: criteria provided, multiple submitters, no conflicts (2 of 4 stars). 2 submissions from 2 submitters: Pathogenic (1); Likely pathogenic (1). Last evaluated 2021-10-18.

Conditions:
Microcephaly, normal intelligence and immunodeficiency (NBS). Also called: Microcephaly with normal intelligence immunodeficiency and lymphoreticular malignancies; Nonsyndromal microcephaly autosomal recessive with normal intelligence; Seemanova syndrome 2; Ataxia telangiectasia variant V1; BERLIN BREAKAGE SYNDROME; Immunodeficiency, microcephaly with normal intelligence. Identifiers: Orphanet 647, MedGen C0398791, MONDO:0009623, OMIM 251260.

Submissions (2):

Labcorp Genetics (formerly Invitae), Labcorp
Classification: Pathogenic for Microcephaly, normal intelligence and immunodeficiency. Last evaluated: 2021-10-18. Review status: criteria provided, single submitter. Criteria: Invitae Variant Classification Sherloc (09022015). Collection method: clinical testing. Allele origin: germline.
Comment: For these reasons, this variant has been classified as Pathogenic. This variant has not been reported in the literature in individuals with NBN-related conditions. ClinVar contains an entry for this variant (Variation ID: 802422). This variant is not present in population databases (ExAC no frequency). This sequence change creates a premature translational stop signal (p.Asn30Thrfs*5) in the NBN gene. It is expected to result in an absent or disrupted protein product. Loss-of-function variants in NBN are known to be pathogenic (PMID: 9590180, 16415040).

Mendelics
Classification: Likely pathogenic for Microcephaly, normal intelligence and immunodeficiency. Last evaluated: 2019-05-28. Review status: criteria provided, single submitter. Criteria: Mendelics Assertion Criteria 2017. Collection method: clinical testing. Allele origin: unknown.

Literature cited by the submitters: PubMed 9590180 (cited by Labcorp Genetics (formerly Invitae), Labcorp); PubMed 16415040 (cited by Labcorp Genetics (formerly Invitae), Labcorp).